The following is an entry in ClinVar:

NM_030632.3(ASXL3):c.3851C>T (p.Thr1284Ile)

Gene: ASXL3 (ASXL transcriptional regulator 3; plus strand). Cytogenetic location: 18q12.1.
Variant type: single nucleotide variant.
Coding change: c.3851C>T on transcript NM_030632.3 (MANE Select); coding-DNA position 3851, C replaced by T.
Protein change: p.Thr1284Ile; replaces threonine 1284 with isoleucine.
Molecular consequence: missense variant.
Genome position (GRCh38, 1-based): chr18:33,743,699, C>T. VCF-style: chr18-33743699-C-T. GRCh37 (hg19) VCF-style: chr18-31323663-C-T.
Other names: short protein forms T1284I.
Identifiers: ClinVar variation 1704166 (VCV001704166.2), dbSNP rs769416656, ClinGen allele CA402186245.
Genomic context (GRCh38, chr18:33,743,699, plus strand): 5'-TAATGTCTGTTGACAGTGCAAACACTACAATTTCTGCTTGTAATATAAGCATGTTAAAAA[C>T]CATCCAGGGAACTGACACTCCATGCATAGCCATTATACCAAAATGTATTGAAAGCACTCC-3'
Protein context (NP_085135.1, residues 1274-1294): ISACNISMLK[Thr1284Ile]IQGTDTPCIA

ClinVar aggregate classification (germline): Uncertain significance (1 of 4 stars; one submission).

Allele frequency attached by ClinVar (database versions not stated): gnomAD exomes below 0.00001.
gnomAD v4.1: 3 of 1,613,824 alleles (0.00019%); highest among the groups gnomAD compares: Non-Finnish European, 0.00017%; no homozygotes.

Submission:

GeneDx
Classification: Uncertain significance. Last evaluated: 2022-09-02. Review status: criteria provided, single submitter. Criteria: GeneDx Variant Classification Process June 2021. Collection method: clinical testing. Allele origin: germline. Affected: yes.
Comment: Has not been previously published as pathogenic or benign to our knowledge; In silico analysis supports that this missense variant does not alter protein structure/function; Not observed at significant frequency in large population cohorts (gnomAD)